The following is an entry in ClinVar:

NM_001042424.3(NSD2):c.791_792dup (p.Gln265fs)

Gene: NSD2 (nuclear receptor binding SET domain protein 2; plus strand). Cytogenetic location: 4p16.3.
Variant type: Duplication.
Coding change: c.791_792dup on transcript NM_001042424.3 (MANE Select); coding-DNA positions 791 to 792, 2 bases duplicated (TA; older notation c.791_792dupTA).
Protein change: p.Gln265fs; shifts the reading frame from glutamine 265.
Molecular consequence: frameshift variant. On other transcripts: 5 prime UTR variant (2).
Genome position (GRCh38, 1-based): chr4:1,916,901-1,916,902, TA duplicated. VCF-style (leftmost placement, unchanged base first): chr4-1916900-G-GTA. GRCh37 (hg19) VCF-style: chr4-1918627-G-GTA.
Other names: c.791_792dup, p.Gln265fs (NM_001440892.1, NM_001440894.1, NM_001440895.1 and 8 more transcripts); c.890_891dup, p.Gln298fs (NM_001440893.1); c.-179_-178dup (NM_001440899.1, NM_001440900.1); short protein forms Q265fs, Q298fs.
Identifiers: ClinVar variation 4891046 (VCV004891046.1).

ClinVar aggregate classification (germline): Pathogenic (1 of 4 stars; one submission).

Conditions:
Rauch-Steindl syndrome (RAUST). Identifiers: Orphanet 659642, MedGen C5562061, MONDO:0859219, OMIM 619695.

Submission:

Greenwood Genetic Center Diagnostic Laboratories, Greenwood Genetic Center
Classification: Pathogenic for Rauch-Steindl syndrome. Last evaluated: 2026-04-28. Review status: criteria provided, single submitter. Criteria: ACMG Guidelines, 2015. Collection method: clinical testing. Allele origin: germline. Affected: yes.
Comment: PVS1, PS2, PM2